The following is an entry in ClinVar:

NM_022117.4(TSPYL2):c.1386C>T (p.Phe462=)

Gene: TSPYL2 (TSPY like 2; plus strand). Cytogenetic location: Xp11.22.
Variant type: single nucleotide variant.
Coding change: c.1386C>T on transcript NM_022117.4 (MANE Select); coding-DNA position 1386, C replaced by T.
Protein change: p.Phe462=; no amino-acid change (phenylalanine 462 retained).
Molecular consequence: synonymous variant.
Genome position (GRCh38, 1-based): chrX:53,085,778, C>T. VCF-style: chrX-53085778-C-T. GRCh37 (hg19) VCF-style: chrX-53114960-C-T.
Identifiers: ClinVar variation 2660581 (VCV002660581.24), dbSNP rs1569228802, ClinGen allele CA516671582.

ClinVar aggregate classification (germline): Likely benign (1 of 4 stars; one submission).

Allele frequency attached by ClinVar (database versions not stated): gnomAD exomes below 0.00001.
gnomAD v4.1: 4 of 1,211,589 alleles (0.00033%); highest among the groups gnomAD compares: Middle Eastern, 0.023%; no homozygotes.

Submission:

CeGaT Center for Human Genetics Tuebingen
Classification: Likely benign. Last evaluated: 2022-08-01. Review status: criteria provided, single submitter. Criteria: CeGaT Center For Human Genetics Tuebingen Variant Classification Criteria Version 2. Collection method: clinical testing. Allele origin: germline. Affected: yes. Observed: 1 variant allele.
Comment: TSPYL2: PM2:Supporting, BP4, BP7